The following is an entry in ClinVar:

ClinVar aggregate classification (germline): Uncertain significance (1 of 4 stars; one submission).

Conditions:
Cardiovascular phenotype. Identifiers: MedGen CN230736.

gnomAD v4.1: 2 of 1,613,838 alleles (0.00012%); highest among the groups gnomAD compares: Non-Finnish European, 0.00017%; no homozygotes.

Submission:

Ambry Genetics
Classification: Uncertain significance for Cardiovascular phenotype. Last evaluated: 2024-12-31. Review status: criteria provided, single submitter. Criteria: Ambry Variant Classification Scheme 2023. Collection method: clinical testing. Allele origin: germline.
Comment: The p.K55T variant (also known as c.164A>C), located in coding exon 2 of the CACNB2 gene, results from an A to C substitution at nucleotide position 164. The lysine at codon 55 is replaced by threonine, an amino acid with similar properties. This amino acid position is highly conserved in available vertebrate species. In addition, the in silico prediction for this alteration is inconclusive. The evidence for this gene-disease relationship is limited; therefore, the clinical significance of this alteration is unclear.

NM_201596.3(CACNB2):c.326A>C (p.Lys109Thr)

Gene: CACNB2 (calcium voltage-gated channel auxiliary subunit beta 2; plus strand). Cytogenetic location: 10p12.31.
Variant type: single nucleotide variant.
Coding change: c.326A>C on transcript NM_201596.3 (MANE Select); coding-DNA position 326, A replaced by C.
Protein change: p.Lys109Thr; replaces lysine 109 with threonine.
Molecular consequence: missense variant.
Genome position (GRCh38, 1-based): chr10:18,402,036, A>C. VCF-style: chr10-18402036-A-C. GRCh37 (hg19) VCF-style: chr10-18690965-A-C.
Other names: c.161A>C, p.Lys54Thr (NM_000724.4, NM_001330060.2); c.242A>C, p.Lys81Thr (NM_001167945.2, NM_201571.4, NM_201572.4); c.182A>C, p.Lys61Thr (NM_001410882.1, NM_201570.3); c.164A>C, p.Lys55Thr (NM_201590.3); c.326A>C, p.Lys109Thr (NM_201593.3, NM_201597.3); short protein forms K55T, K81T, K109T, K61T, K54T.
Identifiers: ClinVar variation 3826730 (VCV003826730.1).